The following is an entry in ClinVar:

NM_000092.5(COL4A4):c.3719del (p.Pro1240fs)

Gene: COL4A4 (collagen type IV alpha 4 chain; minus strand). Cytogenetic location: 2q36.3.
Variant type: Deletion.
Coding change: c.3719del on transcript NM_000092.5 (MANE Select); coding-DNA position 3719, one base deleted (C; older notation c.3719delC).
Protein change: p.Pro1240fs; shifts the reading frame from proline 1240.
Molecular consequence: frameshift variant.
Genome position (GRCh38, 1-based): chr2:227,032,043, G deleted on the plus strand (C on the coding strand, the reverse complement: COL4A4 is on the minus strand); the first of 2 consecutive G bases (chr2:227,032,043-227,032,044); deleting either gives the same sequence. VCF-style (leftmost placement, unchanged base first): chr2-227032042-TG-T. GRCh37 (hg19) VCF-style: chr2-227896758-TG-T.
Other names: short protein forms P1240fs.
Identifiers: ClinVar variation 1725775 (VCV001725775.2), dbSNP rs2473343738, ClinGen allele CA2580065870.

ClinVar aggregate classification (germline): Likely pathogenic (1 of 4 stars; one submission).

Conditions:
Autosomal recessive Alport syndrome (ATS2). Also called: Alport syndrome type 2; COL4A4 Alport Syndrome and Thin Basement Membrane Nephropathy; ALPORT SYNDROME 2, AUTOSOMAL RECESSIVE; COL4A3-Related Nephropathy. Identifiers: Orphanet 63, Orphanet 88919, MedGen C4746745, MONDO:0008762, OMIM 203780.

Submission:

Myriad Genetics, Inc.
Classification: Likely pathogenic for Autosomal recessive Alport syndrome. Last evaluated: 2022-03-31. Review status: criteria provided, single submitter. Criteria: Myriad Women's Health Autosomal Recessive and X-Linked Classification Criteria (2021). Collection method: clinical testing. Allele origin: unknown.
Comment: NM_000092.4(COL4A4):c.3719delC(P1240Hfs*48) is expected to be pathogenic in the context of COL4A4-related Alport syndrome. This variant is predicted to lead to an abnormal or absent protein product due to the creation of a premature termination codon in COL4A4, a gene where loss-of-function variants are known to be pathogenic. Please note: this variant was assessed in the context of healthy population screening.